The following is an entry in ClinVar:

ClinVar aggregate classification (germline): Uncertain significance. Review status: criteria provided, multiple submitters, no conflicts (2 of 4 stars). 2 submissions from 2 submitters: Uncertain significance (2). Last evaluated 2023-06-27.

Conditions:
2-aminoadipic 2-oxoadipic aciduria (AAKAD). Also called: Aminoadipic aciduria; ALPHA-AMINOADIPIC AND ALPHA-KETOADIPIC ACIDURIA. Identifiers: Orphanet 79154, MedGen C1859817, MONDO:0008774, OMIM 204750.

Allele frequency attached by ClinVar (database versions not stated): TOPMed below 0.00001; gnomAD 0.00001.
gnomAD v4.1: 1 of 1,614,060 alleles (0.000062%); highest among the groups gnomAD compares: Non-Finnish European, 0.000085%; no homozygotes.

Submissions (2):

Labcorp Genetics (formerly Invitae), Labcorp
Classification: Uncertain significance for 2-aminoadipic 2-oxoadipic aciduria. Last evaluated: 2023-06-27. Review status: criteria provided, single submitter. Criteria: Invitae Variant Classification Sherloc (09022015). Collection method: clinical testing. Allele origin: germline.
Comment: This variant has not been reported in the literature in individuals affected with DHTKD1-related conditions. This variant is not present in population databases (gnomAD no frequency). This sequence change replaces glutamine, which is neutral and polar, with histidine, which is basic and polar, at codon 80 of the DHTKD1 protein (p.Gln80His). ClinVar contains an entry for this variant (Variation ID: 1318735). In summary, the available evidence is currently insufficient to determine the role of this variant in disease. Therefore, it has been classified as a Variant of Uncertain Significance. Advanced modeling of protein sequence and biophysical properties (such as structural, functional, and spatial information, amino acid conservation, physicochemical variation, residue mobility, and thermodynamic stability) performed at Invitae indicates that this missense variant is not expected to disrupt DHTKD1 protein function.

GeneDx
Classification: Uncertain significance. Last evaluated: 2021-05-13. Review status: criteria provided, single submitter. Criteria: GeneDx Variant Classification Process June 2021. Collection method: clinical testing. Allele origin: germline. Affected: yes.
Comment: Not observed in large population cohorts (Lek et al., 2016); In silico analysis supports that this missense variant does not alter protein structure/function; Has not been previously published as pathogenic or benign to our knowledge

NM_018706.7(DHTKD1):c.240A>C (p.Gln80His)

Gene: DHTKD1 (dehydrogenase E1 and transketolase domain containing 1; plus strand). Cytogenetic location: 10p14.
Variant type: single nucleotide variant.
Coding change: c.240A>C on transcript NM_018706.7 (MANE Select); coding-DNA position 240, A replaced by C.
Protein change: p.Gln80His; replaces glutamine 80 with histidine.
Molecular consequence: missense variant.
Genome position (GRCh38, 1-based): chr10:12,081,557, A>C. VCF-style: chr10-12081557-A-C. GRCh37 (hg19) VCF-style: chr10-12123556-A-C.
Other names: short protein forms Q80H.
Identifiers: ClinVar variation 1318735 (VCV001318735.5), dbSNP rs1407480386, ClinGen allele CA376014655.